The following is an entry in ClinVar:

ClinVar aggregate classification (germline): Uncertain significance. Review status: criteria provided, multiple submitters, no conflicts (2 of 4 stars). 2 submissions from 2 submitters: Uncertain significance (2). Last evaluated 2024-10-29.

Submissions (2):

Labcorp Genetics (formerly Invitae), Labcorp
Classification: Uncertain significance. Last evaluated: 2024-10-29. Review status: criteria provided, single submitter. Criteria: Invitae Variant Classification Sherloc (09022015). Collection method: clinical testing. Allele origin: germline.
Comment: This sequence change replaces leucine, which is neutral and non-polar, with proline, which is neutral and non-polar, at codon 1091 of the MYH3 protein (p.Leu1091Pro). This variant is not present in population databases (gnomAD no frequency). This variant has not been reported in the literature in individuals affected with MYH3-related conditions. ClinVar contains an entry for this variant (Variation ID: 2443658). Invitae Evidence Modeling of protein sequence and biophysical properties (such as structural, functional, and spatial information, amino acid conservation, physicochemical variation, residue mobility, and thermodynamic stability) has been performed for this missense variant. However, the output from this modeling did not meet the statistical confidence thresholds required to predict the impact of this variant on MYH3 protein function. In summary, the available evidence is currently insufficient to determine the role of this variant in disease. Therefore, it has been classified as a Variant of Uncertain Significance.

GeneDx
Classification: Uncertain significance. Last evaluated: 2022-09-12. Review status: criteria provided, single submitter. Criteria: GeneDx Variant Classification Process June 2021. Collection method: clinical testing. Allele origin: germline. Affected: yes.
Comment: Not observed at significant frequency in large population cohorts (gnomAD); In silico analysis supports that this missense variant has a deleterious effect on protein structure/function; Has not been previously published as pathogenic or benign to our knowledge

NM_002470.4(MYH3):c.3272T>C (p.Leu1091Pro)

Gene: MYH3 (myosin heavy chain 3; minus strand). Cytogenetic location: 17p13.1.
Variant type: single nucleotide variant.
Coding change: c.3272T>C on transcript NM_002470.4 (MANE Select); coding-DNA position 3272, T replaced by C.
Protein change: p.Leu1091Pro; replaces leucine 1091 with proline.
Molecular consequence: missense variant.
Genome position (GRCh38, 1-based): chr17:10,638,940, A>G on the plus strand (T>C on the coding strand, the complement: MYH3 is on the minus strand). VCF-style: chr17-10638940-A-G. GRCh37 (hg19) VCF-style: chr17-10542257-A-G.
Other names: short protein forms L1091P.
Identifiers: ClinVar variation 2443658 (VCV002443658.4), dbSNP rs2508596027, ClinGen allele CA398153636.